The following is an entry in ClinVar:

NM_000036.3(AMPD1):c.659A>G (p.Asn220Ser)

Gene: AMPD1 (adenosine monophosphate deaminase 1; minus strand). Cytogenetic location: 1p13.2.
Variant type: single nucleotide variant.
Coding change: c.659A>G on transcript NM_000036.3 (MANE Select); coding-DNA position 659, A replaced by G.
Protein change: p.Asn220Ser; replaces asparagine 220 with serine.
Molecular consequence: missense variant.
Genome position (GRCh38, 1-based): chr1:114,680,367, T>C on the plus strand (A>G on the coding strand, the complement: AMPD1 is on the minus strand). VCF-style: chr1-114680367-T-C. GRCh37 (hg19) VCF-style: chr1-115222988-T-C.
Other names: c.647A>G, p.Asn216Ser (NM_001172626.2); c.758A>G (NM_000036.2); short protein forms N216S, N220S.
Identifiers: ClinVar variation 2074029 (VCV002074029.4), dbSNP rs776387636, ClinGen allele CA1020347.
Genomic context (GRCh38, chr1:114,680,367, plus strand): 5'-AAGGTGTCCAGATTTGGGTAAGGAAGTGGCTTAGGCTCATCTTTGCTGACTGCTGCTTCA[T>C]TAGGATAGACGTAAACTACACCGTCCTTCATTTTGAGGTGATAGCCCAGGTTTTCAGGAA-3'
Protein context (NP_000027.3, residues 210-230): MKDGVVYVYP[Asn220Ser]EAAVSKDEPK

ClinVar aggregate classification (germline): Uncertain significance. Review status: criteria provided, multiple submitters, no conflicts (2 of 4 stars). 2 submissions from 2 submitters: Uncertain significance (2). Last evaluated 2022-06-22.

Conditions:
Muscle AMP deaminase deficiency (MMDD). Also called: Myoadenylate deaminase deficiency, myopathy due to; Adenosine monophosphate deaminase 1 deficiency; AMP deaminase 1 deficiency; Adenosine Monophosphate Deaminase 1; ADENOSINE MONOPHOSPHATE DEAMINASE-1 DEFICIENCY, MYOPATHY DUE TO; AMPD1 DEFICIENCY. Identifiers: Orphanet 45, MedGen C3714933, MONDO:0014220, OMIM 615511.

Allele frequency attached by ClinVar (database versions not stated): ExAC 0.00002; TOPMed 0.00006; gnomAD 0.00007; gnomAD exomes 0.00010.
gnomAD v4.1: 160 of 1,614,092 alleles (0.0099%); highest among the groups gnomAD compares: Non-Finnish European, 0.013%; no homozygotes.

Submissions (2):

Labcorp Genetics (formerly Invitae), Labcorp
Classification: Uncertain significance for Muscle AMP deaminase deficiency. Last evaluated: 2022-06-22. Review status: criteria provided, single submitter. Criteria: Invitae Variant Classification Sherloc (09022015). Collection method: clinical testing. Allele origin: germline.
Comment: This sequence change replaces asparagine, which is neutral and polar, with serine, which is neutral and polar, at codon 253 of the AMPD1 protein (p.Asn253Ser). This variant is present in population databases (rs776387636, gnomAD 0.007%). This variant has not been reported in the literature in individuals affected with AMPD1-related conditions. Algorithms developed to predict the effect of missense changes on protein structure and function output the following: SIFT: "Tolerated"; PolyPhen-2: "Benign"; Align-GVGD: "Class C0". The serine amino acid residue is found in multiple mammalian species, which suggests that this missense change does not adversely affect protein function. In summary, the available evidence is currently insufficient to determine the role of this variant in disease. Therefore, it has been classified as a Variant of Uncertain Significance.

Revvity Omics, Revvity
Classification: Uncertain significance for Muscle AMP deaminase deficiency. Last evaluated: 2019-08-23. Review status: criteria provided, single submitter. Criteria: ACMG Guidelines, 2015. Collection method: clinical testing. Allele origin: germline.